The following is an entry in ClinVar:

ClinVar aggregate classification (germline): Uncertain significance (1 of 4 stars; one submission).

Allele frequency attached by ClinVar (database versions not stated): gnomAD exomes below 0.00001.
gnomAD v4.1: 1 of 1,614,042 alleles (0.000062%); highest among the groups gnomAD compares: Middle Eastern, 0.017%; no homozygotes.

Submission:

Labcorp Genetics (formerly Invitae), Labcorp
Classification: Uncertain significance. Last evaluated: 2024-07-22. Review status: criteria provided, single submitter. Criteria: Invitae Variant Classification Sherloc (09022015). Collection method: clinical testing. Allele origin: germline.
Comment: This sequence change replaces threonine, which is neutral and polar, with alanine, which is neutral and non-polar, at codon 1111 of the NBAS protein (p.Thr1111Ala). This variant is present in population databases (no rsID available, gnomAD 0.006%). This variant has not been reported in the literature in individuals affected with NBAS-related conditions. ClinVar contains an entry for this variant (Variation ID: 1925136). Advanced modeling of protein sequence and biophysical properties (such as structural, functional, and spatial information, amino acid conservation, physicochemical variation, residue mobility, and thermodynamic stability) performed at Invitae indicates that this missense variant is not expected to disrupt NBAS protein function with a negative predictive value of 95%. In summary, the available evidence is currently insufficient to determine the role of this variant in disease. Therefore, it has been classified as a Variant of Uncertain Significance.

NM_015909.4(NBAS):c.3331A>G (p.Thr1111Ala)

Gene: NBAS (NBAS subunit of NRZ tethering complex; minus strand). Cytogenetic location: 2p24.3.
Variant type: single nucleotide variant.
Coding change: c.3331A>G on transcript NM_015909.4 (MANE Select); coding-DNA position 3331, A replaced by G.
Protein change: p.Thr1111Ala; replaces threonine 1111 with alanine.
Molecular consequence: missense variant. On other transcripts: non-coding transcript variant (1).
Genome position (GRCh38, 1-based): chr2:15,383,244, T>C on the plus strand (A>G on the coding strand, the complement: NBAS is on the minus strand). VCF-style: chr2-15383244-T-C. GRCh37 (hg19) VCF-style: chr2-15523368-T-C.
Other names: short protein forms T1111A.
Identifiers: ClinVar variation 1925136 (VCV001925136.5), dbSNP rs892054316, ClinGen allele CA345897947.
Genomic context (GRCh38, chr2:15,383,244, plus strand): 5'-AAAAAAAAATCGTATATGGTTCTAGAGTTACCTCATAGCAGGCATCAGAATCTAGACATG[T>C]GTATACATTCTGCTGCATAGTTAACATGTCTTGCAGCAACGTTCTCCAATGAGACTCACT-3'
Protein context (NP_056993.2, residues 1101-1121): DMLTMQQNVY[Thr1111Ala]CLDSDACYEI